The following is an entry in ClinVar:

ClinVar aggregate classification (germline): Uncertain significance (1 of 4 stars; one submission).

Conditions:
Severe combined immunodeficiency, autosomal recessive, T cell-negative, B cell-negative, NK cell-positive. Also called: SCID, T CELL-NEGATIVE, B CELL-NEGATIVE, NK CELL-POSITIVE; SCID, AR, T-cell negative, B-cell negative, NK cell-positive; Severe combined immunodeficiency due to complete RAG1/2 deficiency. Identifiers: Orphanet 331206, MedGen C1832322, MONDO:0011086, OMIM 601457.
Combined immunodeficiency with skin granulomas. Identifiers: Orphanet 157949, MedGen C2673536, MONDO:0009306, OMIM 233650.

Allele frequency attached by ClinVar (database versions not stated): gnomAD exomes below 0.00001.

Submission:

Labcorp Genetics (formerly Invitae), Labcorp
Classification: Uncertain significance for Combined immunodeficiency with skin granulomas; Severe combined immunodeficiency, autosomal recessive, T cell-negative, B cell-negative, NK cell-positive. Last evaluated: 2020-01-28. Review status: criteria provided, single submitter. Criteria: Invitae Variant Classification Sherloc (09022015). Collection method: clinical testing. Allele origin: germline.
Comment: In summary, the available evidence is currently insufficient to determine the role of this variant in disease. Therefore, it has been classified as a Variant of Uncertain Significance. Algorithms developed to predict the effect of missense changes on protein structure and function output the following: SIFT: "Tolerated"; PolyPhen-2: "Benign"; Align-GVGD: "Class C0". The glutamic acid amino acid residue is found in multiple mammalian species, suggesting that this missense change does not adversely affect protein function. These predictions have not been confirmed by published functional studies and their clinical significance is uncertain. This variant has not been reported in the literature in individuals with RAG1-related disease. This variant is not present in population databases (ExAC no frequency). This sequence change replaces aspartic acid with glutamic acid at codon 587 of the RAG1 protein (p.Asp587Glu). The aspartic acid residue is moderately conserved and there is a small physicochemical difference between aspartic acid and glutamic acid.

NM_000448.3(RAG1):c.1761T>G (p.Asp587Glu)

Gene: RAG1 (recombination activating 1; plus strand). Cytogenetic location: 11p12.
Variant type: single nucleotide variant.
Coding change: c.1761T>G on transcript NM_000448.3 (MANE Select); coding-DNA position 1761, T replaced by G.
Protein change: p.Asp587Glu; replaces aspartic acid 587 with glutamic acid.
Molecular consequence: missense variant.
Genome position (GRCh38, 1-based): chr11:36,575,065, T>G. VCF-style: chr11-36575065-T-G. GRCh37 (hg19) VCF-style: chr11-36596615-T-G.
Other names: c.1761T>G, p.Asp587Glu (NM_001377277.1, NM_001377278.1, NM_001377279.1 and 1 more transcripts); short protein forms D587E.
Identifiers: ClinVar variation 536961 (VCV000536961.10), dbSNP rs1554944973, ClinGen allele CA380153236.
Genomic context (GRCh38, chr11:36,575,065, plus strand): 5'-GTCTGCTTTGATGGACATGGAAGAAGACATCTTGGAAGGCATGAGATCCCAAGACCTTGA[T>G]GATTACCTGAATGGCCCCTTCACTGTGGTGGTGAAGGAGTCTTGTGATGGAATGGGAGAC-3'
Protein context (NP_000439.2, residues 577-597): ILEGMRSQDL[Asp587Glu]DYLNGPFTVV